The following is an entry in ClinVar:

ClinVar aggregate classification (germline): Uncertain significance (1 of 4 stars; one submission).

Submission:

GeneDx
Classification: Uncertain significance. Last evaluated: 2026-04-20. Review status: criteria provided, single submitter. Criteria: GeneDx Variant Classification Process June 2021. Collection method: clinical testing. Allele origin: germline.
Comment: Not observed at significant frequency in large population cohorts (gnomAD); In silico analysis supports that this missense variant has a deleterious effect on protein structure/function; Has not been previously published as pathogenic or benign to our knowledge

NM_001349338.3(FOXP1):c.467T>G (p.Leu156Arg)

Gene: FOXP1 (forkhead box P1; minus strand). Cytogenetic location: 3p13.
Variant type: single nucleotide variant.
Coding change: c.467T>G on transcript NM_001349338.3 (MANE Select); coding-DNA position 467, T replaced by G.
Protein change: p.Leu156Arg; replaces leucine 156 with arginine.
Molecular consequence: missense variant. On other transcripts: non-coding transcript variant (2), intron variant (1).
Genome position (GRCh38, 1-based): chr3:71,052,580, A>C on the plus strand (T>G on the coding strand, the complement: FOXP1 is on the minus strand). VCF-style: chr3-71052580-A-C. GRCh37 (hg19) VCF-style: chr3-71101731-A-C.
Other names: c.467T>G, p.Leu156Arg (NM_001244808.3, NM_001244810.2, NM_001244814.3 and 3 more transcripts); c.167T>G, p.Leu56Arg (NM_001244813.3, NM_001244815.2, NM_001349342.3 and 1 more transcripts); c.164T>G, p.Leu55Arg (NM_001349337.2, NM_001349343.3, NM_001349344.3); c.464T>G, p.Leu155Arg (NM_001349341.3); c.283-5485T>G (NM_001244812.3); short protein forms L155R, L156R, L55R, L56R.
Identifiers: ClinVar variation 5037462 (VCV005037462.1).